The following is an entry in ClinVar:

NM_001374736.1(DST):c.3870A>G (p.Leu1290=)

Gene: DST (dystonin; minus strand). Cytogenetic location: 6p12.1.
Variant type: single nucleotide variant.
Coding change: c.3870A>G on transcript NM_001374736.1 (MANE Select); coding-DNA position 3870, A replaced by G.
Protein change: p.Leu1290=; no amino-acid change (leucine 1290 retained).
Molecular consequence: synonymous variant.
Genome position (GRCh38, 1-based): chr6:56,631,976, T>C on the plus strand (A>G on the coding strand, the complement: DST is on the minus strand). VCF-style: chr6-56631976-T-C. GRCh37 (hg19) VCF-style: chr6-56496774-T-C.
Other names: p.Leu753=; c.3771A>G, p.Leu1257= (NM_001144769.5); c.3357A>G, p.Leu1119= (NM_001144770.2); c.3870A>G, p.Leu1290= (NM_001374722.1); c.3237A>G, p.Leu1079= (NM_001374729.1, NM_001374730.1, NM_001386100.1 and 1 more transcripts); c.3897A>G, p.Leu1299= (NM_001374734.1); c.2259A>G, p.Leu753= (NM_001723.7, NM_015548.5).
Identifiers: ClinVar variation 2152386 (VCV002152386.5), dbSNP rs759491450, ClinGen allele CA3871040.

ClinVar aggregate classification (germline): Likely benign. Review status: criteria provided, multiple submitters, no conflicts (2 of 4 stars). 2 submissions from 2 submitters: Likely benign (2). Last evaluated 2025-09-08.

Conditions:
Hereditary sensory and autonomic neuropathy type 6. Also called: HSAN VI; Neuropathy, hereditary sensory and autonomic, type VI. Identifiers: Orphanet 314381, MedGen C3539003, MONDO:0013839, OMIM 614653.
Epidermolysis bullosa simplex 3, localized or generalized intermediate, with BP230 deficiency (EBS3). Also called: Epidermolysis bullosa simplex due to BP230 deficiency; Epidermolysis bullosa simplex, autosomal recessive 2. Identifiers: Orphanet 412181, MedGen C3809470, MONDO:0014180, OMIM 615425.

Allele frequency attached by ClinVar (database versions not stated): TOPMed below 0.00001; ExAC 0.00001; gnomAD 0.00001; gnomAD exomes 0.00001.
gnomAD v4.1: 19 of 1,613,530 alleles (0.0012%); highest among the groups gnomAD compares: Non-Finnish European, 0.0016%; no homozygotes.

Submissions (2):

Labcorp Genetics (formerly Invitae), Labcorp
Classification: Likely benign for Epidermolysis bullosa simplex 3, localized or generalized intermediate, with BP230 deficiency; Hereditary sensory and autonomic neuropathy type 6. Last evaluated: 2025-09-08. Review status: criteria provided, single submitter. Criteria: Invitae Variant Classification Sherloc (09022015). Collection method: clinical testing. Allele origin: germline.

Mayo Clinic Laboratories, Mayo Clinic
Classification: Likely benign. Last evaluated: 2025-08-20. Review status: criteria provided, single submitter. Criteria: ACMG Guidelines, 2015. Collection method: clinical testing. Allele origin: germline. Observed: 1 variant allele.
Comment: BP4, BP7